The following is an entry in ClinVar:

ClinVar aggregate classification (germline): Uncertain significance (1 of 4 stars; one submission).

Submission:

Labcorp Genetics (formerly Invitae), Labcorp
Classification: Uncertain significance. Last evaluated: 2022-07-05. Review status: criteria provided, single submitter. Criteria: Invitae Variant Classification Sherloc (09022015). Collection method: clinical testing. Allele origin: germline.
Comment: Information on the frequency of this variant in the gnomAD database is not available, as this variant may be reported differently in the database. This sequence change replaces valine, which is neutral and non-polar, with methionine, which is neutral and non-polar, at codon 818 of the PCDH15 protein (p.Val818Met). This variant has not been reported in the literature in individuals affected with PCDH15-related conditions. In summary, the available evidence is currently insufficient to determine the role of this variant in disease. Therefore, it has been classified as a Variant of Uncertain Significance. Experimental studies and prediction algorithms are not available or were not evaluated, and the functional significance of this variant is currently unknown.

NM_001384140.1(PCDH15):c.2451_2452delinsAA (p.Val818Met)

Gene: PCDH15 (protocadherin related 15; minus strand). Cytogenetic location: 10q21.1.
Variant type: Indel.
Coding change: c.2451_2452delinsAA on transcript NM_001384140.1 (MANE Select); coding-DNA positions 2451 to 2452, TG replaced by AA.
Protein change: p.Val818Met; replaces valine 818 with methionine.
Molecular consequence: missense variant.
Genome position (GRCh38, 1-based): chr10:54,022,966-54,022,967, CA replaced by TT on the plus strand (TG replaced by AA on the coding strand, the reverse complement: PCDH15 is on the minus strand). VCF-style: chr10-54022966-CA-TT. GRCh37 (hg19) VCF-style: chr10-55782726-CA-TT.
Other names: c.2466_2467delinsAA, p.Val823Met (NM_001142763.2, NM_001142771.2); c.2451_2452delinsAA, p.Val818Met (NM_001142764.2, NM_001142766.2, NM_001142770.3 and 5 more transcripts); c.2238_2239delinsAA, p.Val747Met (NM_001142765.2); c.2340_2341delinsAA, p.Val781Met (NM_001142767.2); c.2385_2386delinsAA, p.Val796Met (NM_001142768.2, NM_001142773.2, NM_001354404.2); c.2487_2488delTGinsAA, p.Val830Met (NM_001142769.4); c.2472_2473delinsAA, p.Val825Met (NM_001354411.2); short protein forms V747M, V825M, V781M, V796M, V823M, V818M, V830M.
Identifiers: ClinVar variation 2165648 (VCV002165648.4), dbSNP rs2539202594, ClinGen allele CA2580082410.